The following is an entry in ClinVar:

ClinVar aggregate classification (germline): Uncertain significance. Review status: criteria provided, multiple submitters, no conflicts (2 of 4 stars). 3 submissions from 3 submitters: Uncertain significance (3). Last evaluated 2026-09-11.

Conditions:
AARS1-related disorder. Also called: AARS1-related condition.
Charcot-Marie-Tooth disease type 2. Also called: Charcot-Marie-Tooth type 2. Identifiers: Orphanet 64746, MedGen C0270914, MONDO:0018993.
Inborn genetic diseases. Identifiers: MedGen C0950123, MeSH D030342.

Allele frequency attached by ClinVar (database versions not stated): gnomAD 0.00001; gnomAD exomes 0.00001.
gnomAD v4.1: 14 of 1,614,070 alleles (0.00087%); highest among the groups gnomAD compares: Middle Eastern, 0.016%; no homozygotes.

Submissions (3):

PreventionGenetics, part of Exact Sciences
Classification: Uncertain significance for AARS1-related condition. Last evaluated: 2026-09-11. Review status: criteria provided, single submitter. Criteria: ACMG Guidelines, 2015. Collection method: clinical testing. Allele origin: germline.
Comment: The AARS1 c.2686G>A variant is predicted to result in the amino acid substitution p.Ala896Thr. To our knowledge, this variant has not been reported in the literature. This variant is reported in 0.019% of alleles in individuals of European (Non-Finnish) descent in gnomAD. At this time, the clinical significance of this variant is uncertain due to the absence of conclusive functional and genetic evidence.

Labcorp Genetics (formerly Invitae), Labcorp
Classification: Uncertain significance for Charcot-Marie-Tooth disease type 2. Last evaluated: 2024-07-22. Review status: criteria provided, single submitter. Criteria: Invitae Variant Classification Sherloc (09022015). Collection method: clinical testing. Allele origin: germline.
Comment: This sequence change replaces alanine, which is neutral and non-polar, with threonine, which is neutral and polar, at codon 896 of the AARS protein (p.Ala896Thr). This variant is present in population databases (no rsID available, gnomAD 0.02%). This variant has not been reported in the literature in individuals affected with AARS-related conditions. ClinVar contains an entry for this variant (Variation ID: 1682101). Advanced modeling of protein sequence and biophysical properties (such as structural, functional, and spatial information, amino acid conservation, physicochemical variation, residue mobility, and thermodynamic stability) performed at Invitae indicates that this missense variant is not expected to disrupt AARS protein function with a negative predictive value of 95%. In summary, the available evidence is currently insufficient to determine the role of this variant in disease. Therefore, it has been classified as a Variant of Uncertain Significance.

Ambry Genetics
Classification: Uncertain significance for Inborn genetic diseases. Last evaluated: 2023-05-05. Review status: criteria provided, single submitter. Criteria: Ambry Variant Classification Scheme 2023. Collection method: clinical testing. Allele origin: germline.

NM_001605.3(AARS1):c.2686G>A (p.Ala896Thr)

Gene: AARS1 (alanyl-tRNA synthetase 1; minus strand). Cytogenetic location: 16q22.1.
Variant type: single nucleotide variant.
Coding change: c.2686G>A on transcript NM_001605.3 (MANE Select); coding-DNA position 2686, G replaced by A.
Protein change: p.Ala896Thr; replaces alanine 896 with threonine.
Molecular consequence: missense variant.
Genome position (GRCh38, 1-based): chr16:70,253,303, C>T on the plus strand (G>A on the coding strand, the complement: AARS1 is on the minus strand). VCF-style: chr16-70253303-C-T. GRCh37 (hg19) VCF-style: chr16-70287206-C-T.
Other names: c.2686G>A (NM_001605.2); short protein forms A896T.
Identifiers: ClinVar variation 1682101 (VCV001682101.9), dbSNP rs1295851671, ClinGen allele CA396554665.